The following is an entry in ClinVar:

NM_025137.4(SPG11):c.6866A>G (p.Gln2289Arg)

Gene: SPG11 (SPG11 vesicle trafficking associated, spatacsin; minus strand). Cytogenetic location: 15q21.1.
Variant type: single nucleotide variant.
Coding change: c.6866A>G on transcript NM_025137.4 (MANE Select); coding-DNA position 6866, A replaced by G.
Protein change: p.Gln2289Arg; replaces glutamine 2289 with arginine.
Molecular consequence: missense variant.
Genome position (GRCh38, 1-based): chr15:44,565,987, T>C on the plus strand (A>G on the coding strand, the complement: SPG11 is on the minus strand). VCF-style: chr15-44565987-T-C. GRCh37 (hg19) VCF-style: chr15-44858185-T-C.
Other names: c.6866A>G (NM_025137.3); c.6527A>G, p.Gln2176Arg (NM_001160227.2); short protein forms Q2176R, Q2289R.
Identifiers: ClinVar variation 1052772 (VCV001052772.8), dbSNP rs140563925, ClinGen allele CA7533966.

ClinVar aggregate classification (germline): Uncertain significance. Review status: criteria provided, multiple submitters, no conflicts (2 of 4 stars). 2 submissions from 2 submitters: Uncertain significance (2). Last evaluated 2026-07-08.

Conditions:
Inborn genetic diseases. Identifiers: MedGen C0950123, MeSH D030342.
Hereditary spastic paraplegia 11. Also called: SPASTIC PARAPLEGIA, AUTOSOMAL RECESSIVE, COMPLICATED, WITH THIN CORPUS CALLOSUM; SPASTIC PARAPLEGIA, AUTOSOMAL RECESSIVE, WITH MENTAL IMPAIRMENT AND THIN CORPUS CALLOSUM; Spastic Paraplegia 11; Nakamura Osame syndrome; Autosomal recessive hereditary spastic paraplegia, mental impairment, and thin corpus callosum; Spastic paraplegia, mental retardation and thin corpus callosum. Identifiers: Orphanet 2822, MedGen C1858479, MONDO:0011445, OMIM 604360.

Allele frequency attached by ClinVar (database versions not stated): gnomAD exomes below 0.00001 and 0.00001; ExAC 0.00002; ESP Exome Variant Server 0.00008.
gnomAD v4.1: 5 of 1,613,730 alleles (0.00031%); highest among the groups gnomAD compares: African/African-American, 0.0053%; no homozygotes.

Submissions (2):

Ambry Genetics
Classification: Uncertain significance for Inborn genetic diseases. Last evaluated: 2026-07-08. Review status: criteria provided, single submitter. Criteria: Ambry Variant Classification Scheme 2023. Collection method: clinical testing. Allele origin: germline.

Labcorp Genetics (formerly Invitae), Labcorp
Classification: Uncertain significance for Hereditary spastic paraplegia 11. Last evaluated: 2022-08-31. Review status: criteria provided, single submitter. Criteria: Invitae Variant Classification Sherloc (09022015). Collection method: clinical testing. Allele origin: germline.
Comment: This sequence change replaces glutamine, which is neutral and polar, with arginine, which is basic and polar, at codon 2289 of the SPG11 protein (p.Gln2289Arg). This variant is present in population databases (rs140563925, gnomAD 0.008%). This variant has not been reported in the literature in individuals affected with SPG11-related conditions. ClinVar contains an entry for this variant (Variation ID: 1052772). Algorithms developed to predict the effect of missense changes on protein structure and function (SIFT, PolyPhen-2, Align-GVGD) all suggest that this variant is likely to be tolerated. In summary, the available evidence is currently insufficient to determine the role of this variant in disease. Therefore, it has been classified as a Variant of Uncertain Significance.